The following is an entry in ClinVar:

NM_181552.4(CUX1):c.4425C>A (p.Pro1475=)

Gene: CUX1 (cut like homeobox 1; plus strand). Cytogenetic location: 7q22.1.
Variant type: single nucleotide variant.
Coding change: c.4425C>A on transcript NM_181552.4 (MANE Select); coding-DNA position 4425, C replaced by A.
Protein change: p.Pro1475=; no amino-acid change (proline 1475 retained).
Molecular consequence: synonymous variant. On other transcripts: intron variant (5).
Genome position (GRCh38, 1-based): chr7:102,248,949, C>A. VCF-style: chr7-102248949-C-A. GRCh37 (hg19) VCF-style: chr7-101892229-C-A.
Other names: c.4458C>A, p.Pro1486= (NM_001202543.2); c.1256-24417C>A (NM_001913.5); c.1250-24417C>A (NM_181500.4); c.1118-24417C>A (NM_001202545.3); c.1208-24417C>A (NM_001202544.3); c.1139-24417C>A (NM_001202546.3).
Identifiers: ClinVar variation 1711659 (VCV001711659.30), dbSNP rs149171097, ClinGen allele CA4411539.
Genomic context (GRCh38, chr7:102,248,949, plus strand): 5'-GCTGCAGAGCCTTTTCGGCCTCCCCGAGGCCGCGGGCGCCCGGGACTCGCGCGACAACCC[C>A]CTGCGCAAGAAGAAGGCCGCGAACTTGAACAGCATCATCCACCGCCTGGAGAAGGCCGCC-3'
Protein context (NP_853530.2, residues 1465-1485): AAGARDSRDN[Pro1475=]LRKKKAANLN

ClinVar aggregate classification (germline): Benign (1 of 4 stars; one submission).

Allele frequency attached by ClinVar (database versions not stated): 1000 Genomes Project 30x 0.00328; 1000 Genomes Project 0.00339; ESP Exome Variant Server 0.00644; ExAC 0.01720.
gnomAD v4.1: 19,300 of 1,487,812 alleles (1.3%); highest among the groups gnomAD compares: Non-Finnish European, 1.5%; 167 homozygotes.

Submission:

CeGaT Center for Human Genetics Tuebingen
Classification: Benign. Last evaluated: 2024-07-01. Review status: criteria provided, single submitter. Criteria: CeGaT Center For Human Genetics Tuebingen Variant Classification Criteria Version 2. Collection method: clinical testing. Allele origin: germline. Affected: yes. Observed: 23 variant alleles.
Comment: CUX1: BP4, BP7, BS1, BS2